The following is an entry in ClinVar:

ClinVar aggregate classification (germline): Uncertain significance (1 of 4 stars; one submission).

Conditions:
Generalized epilepsy-paroxysmal dyskinesia syndrome (PNKD3). Also called: Paroxysmal nonkinesigenic dyskinesia, 3, with or without generalized epilepsy; Generalized epilepsy and paroxysmal dyskinesia. Identifiers: Orphanet 79137, MedGen C5574945, MONDO:0012276, OMIM 609446.

Submission:

Labcorp Genetics (formerly Invitae), Labcorp
Classification: Uncertain significance for Generalized epilepsy-paroxysmal dyskinesia syndrome. Last evaluated: 2023-07-30. Review status: criteria provided, single submitter. Criteria: Invitae Variant Classification Sherloc (09022015). Collection method: clinical testing. Allele origin: germline.
Comment: In summary, the available evidence is currently insufficient to determine the role of this variant in disease. Therefore, it has been classified as a Variant of Uncertain Significance. This variant, c.162_164dup, results in the insertion of 1 amino acid(s) of the KCNMA1 protein (p.Ser60dup), but otherwise preserves the integrity of the reading frame. This variant is not present in population databases (gnomAD no frequency). This variant has not been reported in the literature in individuals affected with KCNMA1-related conditions.

NM_001161352.2(KCNMA1):c.156CTC[4] (p.Ser60_Val61insSer)

Gene: KCNMA1 (potassium calcium-activated channel subfamily M alpha 1; minus strand). Cytogenetic location: 10q22.3.
Variant type: Microsatellite.
Coding change: c.156CTC[4] on transcript NM_001161352.2 (MANE Select); four copies in a row of the 3-base unit CTC starting at c.156; the reference has three copies in a row; one copy, 3 bases duplicated.
Protein change: p.Ser60_Val61insSer.
Molecular consequence: inframe insertion. On other transcripts: inframe indel (1).
Genome position (GRCh38, 1-based): chr10:77,637,479-77,637,481, GAG duplicated on the plus strand (CTC on the coding strand, the reverse complement: KCNMA1 is on the minus strand); duplicating any 3 consecutive bases within chr10:77,637,479-77,637,489 gives the same sequence; the position shown is the placement nearest the transcript's 3' end. VCF-style (leftmost placement, unchanged base first): chr10-77637478-A-AGAG. GRCh37 (hg19) VCF-style: chr10-79397236-A-AGAG.
Other names: c.156CTC[4], p.Ser60_Val61insSer (NM_001014797.3, NM_001161353.2, NM_001271518.2 and 12 more transcripts); c.154_156TCC[4], p.Ser60_Val61insSer (NM_001410940.1).
Identifiers: ClinVar variation 1976918 (VCV001976918.5), dbSNP rs778736171, ClinGen allele CA668629255.